The following is an entry in ClinVar:

NM_003156.4(STIM1):c.1541+504T>C

Gene: STIM1 (stromal interaction molecule 1; plus strand). Cytogenetic location: 11p15.4.
Variant type: single nucleotide variant.
Coding change: c.1541+504T>C on transcript NM_003156.4; 504 bases into the intron after coding-DNA position 1541, T replaced by C.
Genome position (GRCh38, 1-based): chr11:4,087,047, T>C. VCF-style: chr11-4087047-T-C. GRCh37 (hg19) VCF-style: chr11-4108277-T-C.
Other names: c.1319+504T>C (NM_001382578.1, NM_001382575.1, NM_001382576.1 and 2 more transcripts); c.1052+504T>C (NM_001382580.1, NM_001382581.1); c.1637+186T>C (NM_001382566.1); c.1562+504T>C (NM_001382568.1); c.1634+504T>C (NM_001382567.1); c.1541+504T>C (NM_001277962.2); c.1313+504T>C (NM_001382570.1); c.1406+504T>C (NM_001382569.1); and 2 more.
Identifiers: ClinVar variation 1691811 (VCV001691811.2), dbSNP rs79806392, ClinGen allele CA216531603.
Genomic context (GRCh38, chr11:4,087,047, plus strand): 5'-TGTTTGTTCCCAGCTCTGGGATTCCTTTTTAAGGTCAGCCTACTTTCTCCCCTTCTGTGT[T>C]TGGGGTTTGCTGACTCTAAAAATGAGTAACGACTTTCTTCCCTCATGACCCTATAGCACT-3'

ClinVar aggregate classification (germline): Likely benign (1 of 4 stars; one submission).

Allele frequency attached by ClinVar (database versions not stated): 1000 Genomes Project 0.00319; 1000 Genomes Project 30x 0.00359; gnomAD 0.00392 and 0.00429; TOPMed 0.00448.
gnomAD v4.1: 590 of 152,294 alleles (0.39%); highest among the groups gnomAD compares: African/African-American, 1.3%; 4 homozygotes.

Submission:

GeneDx
Classification: Likely benign. Last evaluated: 2021-10-18. Review status: criteria provided, single submitter. Criteria: GeneDx Variant Classification Process June 2021. Collection method: clinical testing. Allele origin: germline. Affected: yes.
Comment: See Variant Classification Assertion Criteria.